The following is an entry in ClinVar:

ClinVar aggregate classification (germline): Uncertain significance (1 of 4 stars; one submission).

Conditions:
Congenital contractural arachnodactyly (CCA). Also called: Arthrogryposis, distal, type 9; BEALS SYNDROME; Beals-Hecht syndrome. Identifiers: Orphanet 115, MedGen C0220668, MONDO:0007363, OMIM 121050.

gnomAD v4.1: 1 of 1,614,018 alleles (0.000062%); highest among the groups gnomAD compares: Admixed American, 0.0017%; no homozygotes.

Submission:

Labcorp Genetics (formerly Invitae), Labcorp
Classification: Uncertain significance for Congenital contractural arachnodactyly. Last evaluated: 2023-05-09. Review status: criteria provided, single submitter. Criteria: Invitae Variant Classification Sherloc (09022015). Collection method: clinical testing. Allele origin: germline.
Comment: This sequence change replaces valine, which is neutral and non-polar, with methionine, which is neutral and non-polar, at codon 714 of the FBN2 protein (p.Val714Met). This variant is not present in population databases (gnomAD no frequency). This missense change has been observed in individual(s) with clinical features of FBN2-related conditions (Invitae). ClinVar contains an entry for this variant (Variation ID: 2162997). Advanced modeling of protein sequence and biophysical properties (such as structural, functional, and spatial information, amino acid conservation, physicochemical variation, residue mobility, and thermodynamic stability) performed at Invitae indicates that this missense variant is not expected to disrupt FBN2 protein function. In summary, the available evidence is currently insufficient to determine the role of this variant in disease. Therefore, it has been classified as a Variant of Uncertain Significance.

NM_001999.4(FBN2):c.2140G>A (p.Val714Met)

Gene: FBN2 (fibrillin 2; minus strand). Cytogenetic location: 5q23.3.
Variant type: single nucleotide variant.
Coding change: c.2140G>A on transcript NM_001999.4 (MANE Select); coding-DNA position 2140, G replaced by A.
Protein change: p.Val714Met; replaces valine 714 with methionine.
Molecular consequence: missense variant.
Genome position (GRCh38, 1-based): chr5:128,369,290, C>T on the plus strand (G>A on the coding strand, the complement: FBN2 is on the minus strand). VCF-style: chr5-128369290-C-T. GRCh37 (hg19) VCF-style: chr5-127704983-C-T.
Other names: short protein forms V714M.
Identifiers: ClinVar variation 2162997 (VCV002162997.4), dbSNP rs759680010, ClinGen allele CA360739197.
Genomic context (GRCh38, chr5:128,369,290, plus strand): 5'-CTGGATTGGCACAGCAGCATTCGGACTTGGTCACTGCACCGGGGAAAGGACGCACACACA[C>T]TCCTTTCTTGATTCCTCCATAGCAGGTACTGCGCATGTGAGTATCTAAAGGAGATACAAA-3'
Protein context (NP_001990.2, residues 704-724): STCYGGIKKG[Val714Met]CVRPFPGAVT